The following is an entry in ClinVar:

NM_003504.5(CDC45):c.524G>A (p.Arg175Gln)

Gene: CDC45 (cell division cycle 45; plus strand). Cytogenetic location: 22q11.21.
Variant type: single nucleotide variant.
Coding change: c.524G>A on transcript NM_003504.5 (MANE Select); coding-DNA position 524, G replaced by A.
Protein change: p.Arg175Gln; replaces arginine 175 with glutamine.
Molecular consequence: missense variant. On other transcripts: non-coding transcript variant (1).
Genome position (GRCh38, 1-based): chr22:19,494,364, G>A. VCF-style: chr22-19494364-G-A. GRCh37 (hg19) VCF-style: chr22-19481887-G-A.
Other names: c.524G>A, p.Arg175Gln (NM_001178010.2); c.386G>A, p.Arg129Gln (NM_001178011.2); c.488G>A, p.Arg163Gln (NM_001369291.1); c.524G>A (NM_001178010.1); short protein forms R129Q, R175Q, R163Q.
Identifiers: ClinVar variation 1372009 (VCV001372009.9), dbSNP rs761996349, ClinGen allele CA10101078.

ClinVar aggregate classification (germline): Uncertain significance. Review status: criteria provided, multiple submitters, no conflicts (2 of 4 stars). 2 submissions from 2 submitters: Uncertain significance (2). Last evaluated 2024-09-03.

Conditions:
Inborn genetic diseases. Identifiers: MedGen C0950123, MeSH D030342.

gnomAD v4.1: 17 of 1,613,408 alleles (0.0011%); highest among the groups gnomAD compares: Admixed American, 0.0033%; no homozygotes.

Submissions (2):

Ambry Genetics
Classification: Uncertain significance for Inborn genetic diseases. Last evaluated: 2024-09-03. Review status: criteria provided, single submitter. Criteria: Ambry Variant Classification Scheme 2023. Collection method: clinical testing. Allele origin: germline.

Labcorp Genetics (formerly Invitae), Labcorp
Classification: Uncertain significance. Last evaluated: 2021-07-20. Review status: criteria provided, single submitter. Criteria: Invitae Variant Classification Sherloc (09022015). Collection method: clinical testing. Allele origin: germline.
Comment: In summary, the available evidence is currently insufficient to determine the role of this variant in disease. Therefore, it has been classified as a Variant of Uncertain Significance. Algorithms developed to predict the effect of missense changes on protein structure and function output the following: SIFT: "Tolerated"; PolyPhen-2: "Benign"; Align-GVGD: "Class C0". The glutamine amino acid residue is found in multiple mammalian species, suggesting that this missense change does not adversely affect protein function. These predictions have not been confirmed by published functional studies and their clinical significance is uncertain. This variant has not been reported in the literature in individuals with CDC45-related conditions. This variant is present in population databases (rs761996349, ExAC 0.02%). This sequence change replaces arginine with glutamine at codon 175 of the CDC45 protein (p.Arg175Gln). The arginine residue is highly conserved and there is a small physicochemical difference between arginine and glutamine.